The following is an entry in ClinVar:

ClinVar aggregate classification (germline): Benign/Likely benign. Review status: criteria provided, multiple submitters, no conflicts (2 of 4 stars). 7 submissions from 7 submitters: Benign (6); Likely benign (1). Last evaluated 2025-08-06.

Conditions:
Autosomal dominant nonsyndromic hearing loss 5. Identifiers: Orphanet 90635, MedGen C1832932, MONDO:0010973, OMIM 600994.

Allele frequency attached by ClinVar (database versions not stated): 1000 Genomes Project 0.00479; 1000 Genomes Project 30x 0.00547; TOPMed 0.01470; ESP Exome Variant Server 0.01615; gnomAD exomes 0.01624 and 0.02056; gnomAD 0.01642 and 0.01715; ExAC 0.01714.
gnomAD v4.1: 32,435 of 1,612,940 alleles (2%); highest among the groups gnomAD compares: Non-Finnish European, 2.4%; 442 homozygotes.

Submissions (7):

Mayo Clinic Laboratories, Mayo Clinic
Classification: Benign. Last evaluated: 2025-08-06. Review status: criteria provided, single submitter. Criteria: ACMG Guidelines, 2015. Collection method: clinical testing. Allele origin: germline. Observed: 1 variant allele.
Comment: BA1, BS2

Labcorp Genetics (formerly Invitae), Labcorp
Classification: Benign. Last evaluated: 2025-03-17. Review status: criteria provided, single submitter. Criteria: Invitae Variant Classification Sherloc (09022015). Collection method: clinical testing. Allele origin: germline.

Blueprint Genetics
Classification: Likely benign. Last evaluated: 2024-11-27. Review status: criteria provided, single submitter. Criteria: ACMG Guidelines, 2015. Collection method: clinical testing. Allele origin: germline.

ARUP Laboratories, Molecular Genetics and Genomics, ARUP Laboratories
Classification: Benign for Autosomal dominant nonsyndromic hearing loss 5. Last evaluated: 2023-11-29. Review status: criteria provided, single submitter. Criteria: ARUP Molecular Germline Variant Investigation Process 2024. Collection method: clinical testing. Allele origin: germline.

GeneDx
Classification: Benign. Last evaluated: 2018-03-20. Review status: criteria provided, single submitter. Criteria: GeneDx Variant Classification (06012015). Collection method: clinical testing. Allele origin: germline. Affected: yes.
Comment: This variant is considered likely benign or benign based on one or more of the following criteria: it is a conservative change, it occurs at a poorly conserved position in the protein, it is predicted to be benign by multiple in silico algorithms, and/or has population frequency not consistent with disease.

Illumina Laboratory Services, Illumina
Classification: Benign for Autosomal dominant nonsyndromic hearing loss 5. Last evaluated: 2018-01-13. Review status: criteria provided, single submitter. Criteria: ICSL Variant Classification Criteria 13 December 2019. Collection method: clinical testing. Allele origin: germline.
Comment: This variant was observed in the ICSL laboratory as part of a predisposition screen in an ostensibly healthy population. It had not been previously curated by ICSL or reported in the Human Gene Mutation Database (HGMD: prior to June 1st, 2018), and was therefore a candidate for classification through an automated scoring system. Utilizing variant allele frequency, disease prevalence and penetrance estimates, and inheritance mode, an automated score was calculated to assess if this variant is too frequent to cause the disease. Based on the score and internal cut-off values, a variant classified as benign is not then subjected to further curation. The score for this variant resulted in a classification of benign for this disease.

Laboratory for Molecular Medicine, Mass General Brigham Personalized Medicine
Classification: Benign. Last evaluated: 2012-05-07. Review status: criteria provided, single submitter. Criteria: LMM Criteria. Collection method: clinical testing. Allele origin: germline. Observed: 46 variant alleles.
Comment: Ala400Val in Exon 09 of DFNA5: This variant is not expected to have clinical sig nificance because it has been identified in 2.3% (163/7020) of European American chromosomes from a broad population by the NHLBI Exome Sequencing Project (dbSNP rs71535705).

NM_001127453.2(GSDME):c.1199C>T (p.Ala400Val)

Gene: GSDME (gasdermin E; minus strand). Cytogenetic location: 7p15.3.
Variant type: single nucleotide variant.
Coding change: c.1199C>T on transcript NM_001127453.2 (MANE Select); coding-DNA position 1199, C replaced by T.
Protein change: p.Ala400Val; replaces alanine 400 with valine.
Molecular consequence: missense variant.
Genome position (GRCh38, 1-based): chr7:24,702,818, G>A on the plus strand (C>T on the coding strand, the complement: GSDME is on the minus strand). VCF-style: chr7-24702818-G-A. GRCh37 (hg19) VCF-style: chr7-24742437-G-A.
Other names: c.707C>T, p.Ala236Val (NM_001127454.2); c.1199C>T, p.Ala400Val (NM_004403.3); short protein forms A400V, A236V.
Identifiers: ClinVar variation 44839 (VCV000044839.24), dbSNP rs71535705, ClinGen allele CA135155.